The following is an entry in ClinVar:

NM_006160.4(NEUROD2):c.1120G>A (p.Glu374Lys)

Gene: NEUROD2 (neuronal differentiation 2; minus strand). Cytogenetic location: 17q12.
Variant type: single nucleotide variant.
Coding change: c.1120G>A on transcript NM_006160.4 (MANE Select); coding-DNA position 1120, G replaced by A.
Protein change: p.Glu374Lys; replaces glutamic acid 374 with lysine.
Molecular consequence: missense variant.
Genome position (GRCh38, 1-based): chr17:39,605,480, C>T on the plus strand (G>A on the coding strand, the complement: NEUROD2 is on the minus strand). VCF-style: chr17-39605480-C-T. GRCh37 (hg19) VCF-style: chr17-37761733-C-T.
Other names: short protein forms E374K.
Identifiers: ClinVar variation 3602824 (VCV003602824.1).

ClinVar aggregate classification (germline): Uncertain significance (1 of 4 stars; one submission).

Submission:

GeneDx
Classification: Uncertain significance. Last evaluated: 2024-08-06. Review status: criteria provided, single submitter. Criteria: GeneDx Variant Classification Process June 2021. Collection method: clinical testing. Allele origin: germline. Affected: yes.
Comment: Not observed at significant frequency in large population cohorts (gnomAD); In silico analysis indicates that this missense variant does not alter protein structure/function; Has not been previously published as pathogenic or benign to our knowledge